The following is an entry in ClinVar:

ClinVar aggregate classification (germline): Uncertain significance. Review status: criteria provided, multiple submitters, no conflicts (2 of 4 stars). 2 submissions from 2 submitters: Uncertain significance (2). Last evaluated 2024-12-31.

Conditions:
OTUD7A-related disorder. Also called: OTUD7A-related condition.

Allele frequency attached by ClinVar (database versions not stated): ExAC 0.00001; gnomAD 0.00001; gnomAD exomes 0.00001.
gnomAD v4.1: 8 of 1,613,880 alleles (0.0005%); highest among the groups gnomAD compares: Non-Finnish European, 0.00068%; no homozygotes.

Submissions (2):

Ambry Genetics
Classification: Uncertain significance. Last evaluated: 2024-12-31. Review status: criteria provided, single submitter. Criteria: Ambry Variant Classification Scheme 2023. Collection method: clinical testing. Allele origin: germline.

PreventionGenetics, part of Exact Sciences
Classification: Uncertain significance for OTUD7A-related condition. Last evaluated: 2022-10-06. Review status: criteria provided, single submitter. Criteria: ACMG Guidelines, 2015. Collection method: clinical testing. Allele origin: germline.
Comment: The OTUD7A c.1222T>G variant is predicted to result in the amino acid substitution p.Trp408Gly. To our knowledge, this variant has not been reported in the literature. This variant is reported in 0.00088% of alleles in individuals of European (Non-Finnish) descent in gnomAD. At this time, the clinical significance of this variant is uncertain due to the absence of conclusive functional and genetic evidence.

NM_001382637.1(OTUD7A):c.1243T>G (p.Trp415Gly)

Gene: OTUD7A (OTU deubiquitinase 7A; minus strand). Cytogenetic location: 15q13.3.
Variant type: single nucleotide variant.
Coding change: c.1243T>G on transcript NM_001382637.1 (MANE Select); coding-DNA position 1243, T replaced by G.
Protein change: p.Trp415Gly; replaces tryptophan 415 with glycine.
Molecular consequence: missense variant.
Genome position (GRCh38, 1-based): chr15:31,487,495, A>C on the plus strand (T>G on the coding strand, the complement: OTUD7A is on the minus strand). VCF-style: chr15-31487495-A-C. GRCh37 (hg19) VCF-style: chr15-31779698-A-C.
Other names: c.1222T>G, p.Trp408Gly (NM_130901.3); c.1222T>G (NM_130901.1); short protein forms W408G, W415G.
Identifiers: ClinVar variation 2628969 (VCV002628969.2), dbSNP rs750664811, ClinGen allele CA7453652.